The following is an entry in ClinVar:

ClinVar aggregate classification (germline): Uncertain significance (1 of 4 stars; one submission).

Allele frequency attached by ClinVar (database versions not stated): TOPMed below 0.00001.
gnomAD v4.1: 1 of 1,614,110 alleles (0.000062%); highest among the groups gnomAD compares: Non-Finnish European, 0.000085%; no homozygotes.

Submission:

Ambry Genetics
Classification: Uncertain significance. Last evaluated: 2025-03-28. Review status: criteria provided, single submitter. Criteria: Ambry Variant Classification Scheme 2023. Collection method: clinical testing. Allele origin: germline.
Comment: The p.D281E variant (also known as c.843T>A), located in coding exon 7 of the RINT1 gene, results from a T to A substitution at nucleotide position 843. The aspartic acid at codon 281 is replaced by glutamic acid, an amino acid with highly similar properties. This amino acid position is conserved. In addition, this alteration is predicted to be tolerated by in silico analysis. Since supporting evidence is limited at this time, the clinical significance of this alteration remains unclear.

NM_021930.6(RINT1):c.843T>A (p.Asp281Glu)

Gene: RINT1 (RAD50 interactor 1; plus strand). Cytogenetic location: 7q22.3.
Variant type: single nucleotide variant.
Coding change: c.843T>A on transcript NM_021930.6 (MANE Select); coding-DNA position 843, T replaced by A.
Protein change: p.Asp281Glu; replaces aspartic acid 281 with glutamic acid.
Molecular consequence: missense variant. On other transcripts: 5 prime UTR variant (2), non-coding transcript variant (1), intron variant (1).
Genome position (GRCh38, 1-based): chr7:105,548,557, T>A. VCF-style: chr7-105548557-T-A. GRCh37 (hg19) VCF-style: chr7-105189004-T-A.
Other names: c.609T>A, p.Asp203Glu (NM_001346599.2); c.-177T>A (NM_001346600.2); c.-82T>A (NM_001346601.2); c.-27-1498T>A (NM_001346603.2); short protein forms D281E, D203E.
Identifiers: ClinVar variation 1763397 (VCV001763397.3), dbSNP rs1332871809, ClinGen allele CA368807817.